The following is an entry in ClinVar:

ClinVar aggregate classification (germline): Uncertain significance (1 of 4 stars; one submission).

gnomAD v4.1: 4 of 1,613,932 alleles (0.00025%); highest among the groups gnomAD compares: Non-Finnish European, 0.00034%; no homozygotes.

Submission:

Ambry Genetics
Classification: Uncertain significance. Last evaluated: 2024-11-05. Review status: criteria provided, single submitter. Criteria: Ambry Variant Classification Scheme 2023. Collection method: clinical testing. Allele origin: germline.
Comment: The p.A695D variant (also known as c.2084C>A), located in coding exon 13 of the POLQ gene, results from a C to A substitution at nucleotide position 2084. The alanine at codon 695 is replaced by aspartic acid, an amino acid with dissimilar properties. This amino acid position is conserved. In addition, this alteration is predicted to be deleterious by in silico analysis. Since supporting evidence is limited at this time, the clinical significance of this alteration remains unclear.

NM_199420.4(POLQ):c.2084C>A (p.Ala695Asp)

Gene: POLQ (DNA polymerase theta; minus strand). Cytogenetic location: 3q13.33.
Variant type: single nucleotide variant.
Coding change: c.2084C>A on transcript NM_199420.4 (MANE Select); coding-DNA position 2084, C replaced by A.
Protein change: p.Ala695Asp; replaces alanine 695 with aspartic acid.
Molecular consequence: missense variant.
Genome position (GRCh38, 1-based): chr3:121,498,546, G>T on the plus strand (C>A on the coding strand, the complement: POLQ is on the minus strand). VCF-style: chr3-121498546-G-T. GRCh37 (hg19) VCF-style: chr3-121217393-G-T.
Other names: short protein forms A695D.
Identifiers: ClinVar variation 1785609 (VCV001785609.3), dbSNP rs1204147394, ClinGen allele CA354110136.